The following is an entry in ClinVar:

NM_004612.4(TGFBR1):c.98-6T>C

Gene: TGFBR1 (transforming growth factor beta receptor 1; plus strand). Cytogenetic location: 9q22.33.
Variant type: single nucleotide variant.
Coding change: c.98-6T>C on transcript NM_004612.4 (MANE Select); 6 bases into the intron before coding-DNA position 98, T replaced by C.
Molecular consequence: intron variant.
Genome position (GRCh38, 1-based): chr9:99,128,849, T>C. VCF-style: chr9-99128849-T-C. GRCh37 (hg19) VCF-style: chr9-101891131-T-C.
Other names: c.98-6T>C (NM_001306210.2, NM_001130916.3).
Identifiers: ClinVar variation 722858 (VCV000722858.11), dbSNP rs749295577, ClinGen allele CA044758.

ClinVar aggregate classification (germline): Likely benign. Review status: criteria provided, multiple submitters, no conflicts (2 of 4 stars). 3 submissions from 3 submitters: Likely benign (3). Last evaluated 2023-06-08.

Conditions:
Loeys-Dietz syndrome (LDS). Identifiers: Orphanet 60030, MedGen C2697932, MONDO:0018954.
Familial thoracic aortic aneurysm and aortic dissection (TAAD). Also called: Thoracic aortic aneurysms and dissections. Identifiers: Orphanet 91387, MedGen C4707243, MONDO:0019625.

Allele frequency attached by ClinVar (database versions not stated): gnomAD exomes 0.00001; ExAC 0.00002; gnomAD 0.00002; TOPMed 0.00002.
gnomAD v4.1: 3 of 1,613,564 alleles (0.00019%); highest among the groups gnomAD compares: Admixed American, 0.0033%; no homozygotes.

Submissions (3):

All of Us Research Program, National Institutes of Health
Classification: Likely benign for Loeys-Dietz syndrome. Last evaluated: 2023-06-08. Review status: criteria provided, single submitter. Criteria: ACMG Guidelines, 2015. Collection method: clinical testing. Allele origin: germline. Inheritance: Autosomal dominant inheritance. Observed: 3 variant alleles, 3 heterozygotes.
Comment: This study involves interpretation of variants in research participants for the purpose of population health screening. Participant phenotype was not available at the time of variant classification. Additional details can be found in publication PMID: 35346344, PMCID: PMC8962531

Color Diagnostics, LLC DBA Color Health
Classification: Likely benign for Familial thoracic aortic aneurysm and aortic dissection. Last evaluated: 2023-02-08. Review status: criteria provided, single submitter. Criteria: ACMG Guidelines, 2015. Collection method: clinical testing. Allele origin: germline.

Labcorp Genetics (formerly Invitae), Labcorp
Classification: Likely benign for Familial thoracic aortic aneurysm and aortic dissection. Last evaluated: 2022-02-09. Review status: criteria provided, single submitter. Criteria: Invitae Variant Classification Sherloc (09022015). Collection method: clinical testing. Allele origin: germline.